The following is an entry in ClinVar:

ClinVar aggregate classification (germline): Uncertain significance. Review status: criteria provided, multiple submitters, no conflicts (2 of 4 stars). 2 submissions from 2 submitters: Uncertain significance (2). Last evaluated 2025-03-11.

Conditions:
Inborn genetic diseases. Identifiers: MedGen C0950123, MeSH D030342.

Allele frequency attached by ClinVar (database versions not stated): gnomAD 0.00005; TOPMed 0.00006; gnomAD exomes 0.00007; ExAC 0.00020.
gnomAD v4.1: 49 of 1,612,466 alleles (0.003%); highest among the groups gnomAD compares: Admixed American, 0.082%; no homozygotes.

Submissions (2):

Ambry Genetics
Classification: Uncertain significance for Inborn genetic diseases. Last evaluated: 2025-03-11. Review status: criteria provided, single submitter. Criteria: Ambry Variant Classification Scheme 2023. Collection method: clinical testing. Allele origin: germline.

Labcorp Genetics (formerly Invitae), Labcorp
Classification: Uncertain significance. Last evaluated: 2024-09-27. Review status: criteria provided, single submitter. Criteria: Invitae Variant Classification Sherloc (09022015). Collection method: clinical testing. Allele origin: germline.
Comment: This sequence change replaces aspartic acid, which is acidic and polar, with glycine, which is neutral and non-polar, at codon 552 of the SLC26A1 protein (p.Asp552Gly). This variant is present in population databases (rs754406748, gnomAD 0.1%), and has an allele count higher than expected for a pathogenic variant. This variant has not been reported in the literature in individuals affected with SLC26A1-related conditions. Invitae Evidence Modeling of protein sequence and biophysical properties (such as structural, functional, and spatial information, amino acid conservation, physicochemical variation, residue mobility, and thermodynamic stability) indicates that this missense variant is not expected to disrupt SLC26A1 protein function with a negative predictive value of 80%. In summary, the available evidence is currently insufficient to determine the role of this variant in disease. Therefore, it has been classified as a Variant of Uncertain Significance.

NM_022042.4(SLC26A1):c.1655A>G (p.Asp552Gly)

Genes: IDUA (alpha-L-iduronidase; plus strand), SLC26A1 (solute carrier family 26 member 1; minus strand). Cytogenetic location: 4p16.3.
Variant type: single nucleotide variant.
Coding change: c.1655A>G on transcript NM_022042.4 (MANE Select); coding-DNA position 1655, A replaced by G.
Protein change: p.Asp552Gly; replaces aspartic acid 552 with glycine.
Molecular consequence: missense variant. On other transcripts: intron variant (2).
Genome position (GRCh38, 1-based): chr4:989,284, T>C on the plus strand (A>G on the coding strand, the complement: SLC26A1 is on the minus strand). VCF-style: chr4-989284-T-C. GRCh37 (hg19) VCF-style: chr4-983072-T-C.
Other names: c.1655A>G, p.Asp552Gly (NM_213613.4); c.576+1844A>G (NM_134425.4); c.299+1335T>C (NM_000203.5); c.1655A>G (NM_213613.2); short protein forms D552G.
Identifiers: ClinVar variation 2727654 (VCV002727654.4), dbSNP rs754406748, ClinGen allele CA2801322.
Genomic context (GRCh38, chr4:989,284, plus strand): 5'-CTGGCAGCCATGCACCCTGCGTCCAGCCCCGTGAGGCTGTAGAGTGACTGCAGGAAGAAG[T>C]CCTTGTTGGCATAGTACAGCGGCCCCCCAAAGCGGAACACCCGCACGCCGGGCTCAGGGA-3'
Protein context (NP_071325.2, residues 542-562): FGGPLYYANK[Asp552Gly]FFLQSLYSLT